The following is an entry in ClinVar:

ClinVar aggregate classification (germline): Likely benign. Review status: criteria provided, multiple submitters, no conflicts (2 of 4 stars). 4 submissions from 4 submitters: Likely benign (3). 1 of the submissions does not count toward it. Last evaluated 2026-01-24.

Conditions:
PTPRC-related disorder. Also called: PTPRC-related condition.
Immunodeficiency 104. Also called: Severe Combined Immune Deficiency, Autosomal Recessive, TCell -Negative, B Cell-Positive, NK Cell-Positive, IL7R-Related; Severe combined immunodeficiency, autosomal recessive, T cell-negative, B cell-positive, NK cell-positive; IMMUNODEFICIENCY 104, SEVERE COMBINED; SCID, AUTOSOMAL RECESSIVE, T CELL-NEGATIVE, B CELL-POSITIVE, NK CELL-POSITIVE. Identifiers: MedGen C5676890, MONDO:0012163, OMIM 608971.

Allele frequency attached by ClinVar (database versions not stated): ExAC 0.00002; gnomAD 0.00007.
gnomAD v4.1: 42 of 1,612,314 alleles (0.0026%); highest among the groups gnomAD compares: Non-Finnish European, 0.0032%; no homozygotes.

Submissions (4):

Labcorp Genetics (formerly Invitae), Labcorp
Classification: Likely benign for Immunodeficiency 104. Last evaluated: 2026-01-24. Review status: criteria provided, single submitter. Criteria: Invitae Variant Classification Sherloc (09022015). Collection method: clinical testing. Allele origin: germline.

Blueprint Genetics
Classification: Likely benign. Last evaluated: 2024-10-15. Review status: criteria provided, single submitter. Criteria: ACMG Guidelines, 2015. Collection method: clinical testing. Allele origin: germline.

CeGaT Center for Human Genetics Tuebingen
Classification: Likely benign. Last evaluated: 2022-08-01. Review status: criteria provided, single submitter. Criteria: CeGaT Center For Human Genetics Tuebingen Variant Classification Criteria Version 2. Collection method: clinical testing. Allele origin: germline. Affected: yes. Observed: 1 variant allele.
Comment: PTPRC: BP4, BP7

PreventionGenetics, part of Exact Sciences
Classification: Likely benign for PTPRC-related condition. Last evaluated: 2023-11-30. Review status: no assertion criteria provided. Collection method: clinical testing. Allele origin: germline. Not counted in ClinVar's aggregate classification.
Comment: This variant is classified as likely benign based on ACMG/AMP sequence variant interpretation guidelines (Richards et al. 2015 PMID: 25741868, with internal and published modifications).

NM_002838.5(PTPRC):c.1116C>G (p.Leu372=)

Gene: PTPRC (protein tyrosine phosphatase receptor type C; plus strand). Cytogenetic location: 1q32.1.
Variant type: single nucleotide variant.
Coding change: c.1116C>G on transcript NM_002838.5 (MANE Select); coding-DNA position 1116, C replaced by G.
Protein change: p.Leu372=; no amino-acid change (leucine 372 retained).
Molecular consequence: synonymous variant.
Genome position (GRCh38, 1-based): chr1:198,709,769, C>G. VCF-style: chr1-198709769-C-G. GRCh37 (hg19) VCF-style: chr1-198678898-C-G.
Other names: c.633C>G, p.Leu211= (NM_080921.4); c.1116C>G (NM_002838.4).
Identifiers: ClinVar variation 1155917 (VCV001155917.35), dbSNP rs747910304, ClinGen allele CA1314704.